The following is an entry in ClinVar:

NM_020180.4(CELF4):c.818C>T (p.Ala273Val)

Gene: CELF4 (CUGBP Elav-like family member 4; minus strand). Cytogenetic location: 18q12.2.
Variant type: single nucleotide variant.
Coding change: c.818C>T on transcript NM_020180.4 (MANE Select); coding-DNA position 818, C replaced by T.
Protein change: p.Ala273Val; replaces alanine 273 with valine.
Molecular consequence: missense variant. On other transcripts: non-coding transcript variant (11).
Genome position (GRCh38, 1-based): chr18:37,273,147, G>A on the plus strand (C>T on the coding strand, the complement: CELF4 is on the minus strand). VCF-style: chr18-37273147-G-A. GRCh37 (hg19) VCF-style: chr18-34853110-G-A.
Other names: c.815C>T, p.Ala272Val (NM_001353747.2, NM_001353749.2, NM_001353729.2 and 12 more transcripts); c.788C>T, p.Ala263Val (NM_001353748.2, NM_001025089.2, NM_001353700.2 and 6 more transcripts); c.785C>T, p.Ala262Val (NM_001353750.2, NM_001353752.2, NM_001353753.2 and 14 more transcripts); c.818C>T, p.Ala273Val (NM_001353751.2, NM_001353731.2, NM_001353734.2 and 6 more transcripts); c.812C>T, p.Ala271Val (NM_001353754.2, NM_001025088.2, NM_001353702.2 and 2 more transcripts); c.782C>T, p.Ala261Val (NM_001353755.2, NM_001353733.2, NM_001353705.2 and 5 more transcripts); c.446C>T, p.Ala149Val (NM_001353756.2, NM_001353761.2); c.419C>T, p.Ala140Val (NM_001353757.2, NM_001353760.2); and 1 more; short protein forms A139V, A140V, A149V, A261V, A262V, A263V, A271V, A272V.
Identifiers: ClinVar variation 4280982 (VCV004280982.7).

ClinVar aggregate classification (germline): Likely benign (1 of 4 stars; one submission).

gnomAD v4.1: 5 of 1,609,568 alleles (0.00031%); highest among the groups gnomAD compares: African/African-American, 0.0013%; no homozygotes.

Submission:

CeGaT Center for Human Genetics Tuebingen
Classification: Likely benign. Last evaluated: 2025-09-01. Review status: criteria provided, single submitter. Criteria: CeGaT Center For Human Genetics Tuebingen Variant Classification Criteria Version 2. Collection method: clinical testing. Allele origin: germline. Affected: yes. Observed: 1 variant allele.
Comment: CELF4: PP3, BS2